The following is an entry in ClinVar:

NM_001453.3(FOXC1):c.-422C>G

Genes: FOXC1 (forkhead box C1; plus strand), LOC129995600 (ATAC-STARR-seq lymphoblastoid silent region 16824; plus strand). Cytogenetic location: 6p25.3.
Variant type: single nucleotide variant.
Coding change: c.-422C>G on transcript NM_001453.3 (MANE Select); 422 bases upstream of the start codon, C replaced by G.
Molecular consequence: 5 prime UTR variant.
Genome position (GRCh38, 1-based): chr6:1,610,024, C>G. VCF-style: chr6-1610024-C-G. GRCh37 (hg19) VCF-style: chr6-1610259-C-G.
Identifiers: ClinVar variation 4977067 (VCV004977067.1).

ClinVar aggregate classification (germline): Likely benign (1 of 4 stars; one submission).

Conditions:
FOXC1-related disorder. Also called: FOXC1-related condition.

Submission:

PreventionGenetics, part of Exact Sciences
Classification: Likely benign for FOXC1-related condition. Last evaluated: 2025-07-14. Review status: criteria provided, single submitter. Criteria: ACMG Guidelines, 2015. Collection method: clinical testing. Allele origin: germline.
Comment: This variant is classified as likely benign based on ACMG/AMP sequence variant interpretation guidelines (Richards et al. 2015 PMID: 25741868, with internal and published modifications).